The following is an entry in ClinVar:

NC_000023.11:g.71366336C>T

Gene: TAF1 (TATA-box binding protein associated factor 1; plus strand). Cytogenetic location: Xq13.1.
Variant type: single nucleotide variant.
Genome position: GRCh38 VCF-style: chrX-71366336-C-T. GRCh37 (hg19) VCF-style: chrX-70586186-C-T.
Identifiers: ClinVar variation 2660871 (VCV002660871.22), dbSNP rs2519960808, ClinGen allele CA516721009.

ClinVar aggregate classification (germline): Likely benign (1 of 4 stars; one submission).

Submission:

CeGaT Center for Human Genetics Tuebingen
Classification: Likely benign. Last evaluated: 2022-03-01. Review status: criteria provided, single submitter. Criteria: CeGaT Center For Human Genetics Tuebingen Variant Classification Criteria Version 2. Collection method: clinical testing. Allele origin: germline. Affected: yes. Observed: 1 variant allele.
Comment: TAF1: BP4, BP7